The following is an entry in ClinVar:

NM_021008.4(DEAF1):c.73G>C (p.Val25Leu)

Gene: DEAF1 (DEAF1 transcription factor; minus strand). Cytogenetic location: 11p15.5.
Variant type: single nucleotide variant.
Coding change: c.73G>C on transcript NM_021008.4 (MANE Select); coding-DNA position 73, G replaced by C.
Protein change: p.Val25Leu; replaces valine 25 with leucine.
Molecular consequence: missense variant. On other transcripts: intron variant (1).
Genome position (GRCh38, 1-based): chr11:694,975, C>G on the plus strand (G>C on the coding strand, the complement: DEAF1 is on the minus strand). VCF-style: chr11-694975-C-G. GRCh37 (hg19) VCF-style: chr11-694975-C-G.
Other names: c.73G>C, p.Val25Leu (NM_001293634.2); c.-437-3377G>C (NM_001367390.1); short protein forms V25L.
Identifiers: ClinVar variation 1373481 (VCV001373481.8), dbSNP rs748733207, ClinGen allele CA5786677.

ClinVar aggregate classification (germline): Uncertain significance (1 of 4 stars; one submission).

Allele frequency attached by ClinVar (database versions not stated): gnomAD 0.00001.
gnomAD v4.1: 1 of 1,168,462 alleles (0.000086%); highest among the groups gnomAD compares: African/African-American, 0.0016%; no homozygotes.

Submission:

Labcorp Genetics (formerly Invitae), Labcorp
Classification: Uncertain significance. Last evaluated: 2022-12-30. Review status: criteria provided, single submitter. Criteria: Invitae Variant Classification Sherloc (09022015). Collection method: clinical testing. Allele origin: germline.
Comment: In summary, the available evidence is currently insufficient to determine the role of this variant in disease. Therefore, it has been classified as a Variant of Uncertain Significance. Advanced modeling of protein sequence and biophysical properties (such as structural, functional, and spatial information, amino acid conservation, physicochemical variation, residue mobility, and thermodynamic stability) performed at Invitae indicates that this missense variant is not expected to disrupt DEAF1 protein function. ClinVar contains an entry for this variant (Variation ID: 1373481). This variant has not been reported in the literature in individuals affected with DEAF1-related conditions. This variant is not present in population databases (gnomAD no frequency). This sequence change replaces valine, which is neutral and non-polar, with leucine, which is neutral and non-polar, at codon 25 of the DEAF1 protein (p.Val25Leu).